The following is an entry in ClinVar:

ClinVar aggregate classification (germline): Uncertain significance (1 of 4 stars; one submission).

Submission:

Labcorp Genetics (formerly Invitae), Labcorp
Classification: Uncertain significance. Last evaluated: 2023-09-12. Review status: criteria provided, single submitter. Criteria: Invitae Variant Classification Sherloc (09022015). Collection method: clinical testing. Allele origin: unknown.
Comment: In summary, the available evidence is currently insufficient to determine the role of this variant in disease. Therefore, it has been classified as a Variant of Uncertain Significance. A copy number gain of the genomic region encompassing the full coding sequence of the CYFIP2 gene has been identified. The boundaries of this event are unknown as they extend beyond the assayed region for this gene and therefore may encompass additional genes. As the precise location of this event is unknown, it may be in tandem or it may be located elsewhere in the genome. This variant has not been reported in the literature in individuals affected with CYFIP2-related conditions.

NC_000005.9:g.(?_156712372)_(156820008_?)dup

Genes: CYFIP2 (cytoplasmic FMR1 interacting protein 2; plus strand), FNDC9 (fibronectin type III domain containing 9; minus strand). Cytogenetic location: 5q33.3.
Variant type: Duplication.
Identifiers: ClinVar variation 3246457 (VCV003246457.1).